The following is an entry in ClinVar:

ClinVar aggregate classification (germline): Pathogenic. Review status: criteria provided, multiple submitters, no conflicts (2 of 4 stars). 5 submissions from 5 submitters: Pathogenic (5). Last evaluated 2025-01-08.

Conditions:
Congenital anemia. Identifiers: MedGen C0158995, MONDO:0000577.
PKLR-related disorder. Also called: PKLR-related condition.

Allele frequency attached by ClinVar (database versions not stated): gnomAD exomes 0.00003 and 0.00006; ExAC 0.00006; gnomAD 0.00007 and 0.00008; TOPMed 0.00007.
gnomAD v4.1: 50 of 1,614,000 alleles (0.0031%); highest among the groups gnomAD compares: Admixed American, 0.013%; no homozygotes.

Submissions (5):

Revvity Omics, Revvity
Classification: Pathogenic. Last evaluated: 2025-01-08. Review status: criteria provided, single submitter. Criteria: ACMG Guidelines, 2015. Collection method: clinical testing. Allele origin: germline.

Labcorp Genetics (formerly Invitae), Labcorp
Classification: Pathogenic. Last evaluated: 2024-07-16. Review status: criteria provided, single submitter. Criteria: Invitae Variant Classification Sherloc (09022015). Collection method: clinical testing. Allele origin: germline.
Comment: This sequence change replaces glycine, which is neutral and non-polar, with serine, which is neutral and polar, at codon 332 of the PKLR protein (p.Gly332Ser). This variant is present in population databases (rs773626254, gnomAD 0.02%). This missense change has been observed in individual(s) with pyruvate kinase deficiency (PMID: 8180378, 29396846, 29519373, 29786897, 32036089). ClinVar contains an entry for this variant (Variation ID: 618827). Advanced modeling of protein sequence and biophysical properties (such as structural, functional, and spatial information, amino acid conservation, physicochemical variation, residue mobility, and thermodynamic stability) has been performed at Invitae for this missense variant, however the output from this modeling did not meet the statistical confidence thresholds required to predict the impact of this variant on PKLR protein function. Experimental studies have shown that this missense change affects PKLR function (PMID: 11960989). For these reasons, this variant has been classified as Pathogenic.

Blueprint Genetics
Classification: Pathogenic for PKLR-related disorders. Last evaluated: 2024-06-14. Review status: criteria provided, single submitter. Criteria: ACMG Guidelines, 2015. Collection method: clinical testing. Allele origin: germline. Affected: yes. Observed: 5 variant alleles.

Cambridge Genomics Laboratory, East Genomic Laboratory Hub, NHS Genomic Medicine Service
Classification: Pathogenic for Congenital anemia. Last evaluated: 2019-08-21. Review status: criteria provided, single submitter. Criteria: ACGS Best Practice Guidelines for Variant Classification in Rare Disease 2020. Collection method: clinical testing. Allele origin: germline. Affected: yes. Observed: 1 variant allele.

ARUP Laboratories, Molecular Genetics and Genomics, ARUP Laboratories
Classification: Pathogenic. Last evaluated: 2018-06-04. Review status: criteria provided, single submitter. Criteria: ARUP Molecular Germline Variant Investigation Process. Collection method: clinical testing. Allele origin: germline.

Literature cited by the submitters: PubMed 8180378 (cited by Labcorp Genetics (formerly Invitae), Labcorp); PubMed 29396846 (cited by Labcorp Genetics (formerly Invitae), Labcorp); PubMed 29519373 (cited by Labcorp Genetics (formerly Invitae), Labcorp); PubMed 29786897 (cited by Labcorp Genetics (formerly Invitae), Labcorp); PubMed 32036089 (cited by Labcorp Genetics (formerly Invitae), Labcorp); PubMed 11960989 (cited by Labcorp Genetics (formerly Invitae), Labcorp).

NM_000298.6(PKLR):c.994G>A (p.Gly332Ser)

Gene: PKLR (pyruvate kinase L/R; minus strand). Cytogenetic location: 1q22.
Variant type: single nucleotide variant.
Coding change: c.994G>A on transcript NM_000298.6 (MANE Select); coding-DNA position 994, G replaced by A.
Protein change: p.Gly332Ser; replaces glycine 332 with serine.
Molecular consequence: missense variant.
Genome position (GRCh38, 1-based): chr1:155,294,357, C>T on the plus strand (G>A on the coding strand, the complement: PKLR is on the minus strand). VCF-style: chr1-155294357-C-T. GRCh37 (hg19) VCF-style: chr1-155264148-C-T.
Other names: c.901G>A, p.Gly301Ser (NM_181871.4); c.994G>A, p.Gly332Ser (LRG_1136t1); short protein forms G332S, G301S.
Identifiers: ClinVar variation 618827 (VCV000618827.16), dbSNP rs773626254, ClinGen allele CA1144139.